The following is an entry in ClinVar:

ClinVar aggregate classification (germline): Conflicting classifications of pathogenicity. Review status: criteria provided, conflicting classifications (1 of 4 stars). 3 submissions from 3 submitters: Uncertain significance (1); Benign (1); Likely benign (1). Last evaluated 2024-09-18.

Conditions:
Hereditary cancer-predisposing syndrome. Also called: Hereditary Cancer Syndrome; Tumor predisposition; Hereditary neoplastic syndrome; Neoplastic Syndromes, Hereditary. Identifiers: Orphanet 140162, MedGen C0027672, MeSH D009386, MONDO:0015356.
Hereditary diffuse gastric adenocarcinoma (HDGC). Also called: DIFFUSE GASTRIC AND LOBULAR BREAST CANCER SYNDROME. Identifiers: Orphanet 26106, MedGen C1708349, MONDO:0007648, OMIM 137215.

Submissions (3):

Myriad Genetics, Inc.
Classification: Benign for Hereditary diffuse gastric adenocarcinoma. Last evaluated: 2024-09-18. Review status: criteria provided, single submitter. Criteria: Myriad Autosomal Dominant, Autosomal Recessive and X-Linked Classification Criteria (2023). Collection method: clinical testing. Allele origin: unknown.
Comment: This variant is considered benign. This variant is a silent/synonymous amino acid change and it is not expected to impact splicing.

Color Diagnostics, LLC DBA Color Health
Classification: Likely benign for Hereditary cancer-predisposing syndrome. Last evaluated: 2024-01-28. Review status: criteria provided, single submitter. Criteria: ACMG Guidelines, 2015. Collection method: clinical testing. Allele origin: germline.

Labcorp Genetics (formerly Invitae), Labcorp
Classification: Uncertain significance for Hereditary diffuse gastric adenocarcinoma. Last evaluated: 2022-06-13. Review status: criteria provided, single submitter. Criteria: Invitae Variant Classification Sherloc (09022015). Collection method: clinical testing. Allele origin: germline.
Comment: In summary, the available evidence is currently insufficient to determine the role of this variant in disease. Therefore, it has been classified as a Variant of Uncertain Significance. Algorithms developed to predict the effect of sequence changes on RNA splicing suggest that this variant may create or strengthen a splice site. This variant has not been reported in the literature in individuals affected with CDH1-related conditions. This variant is not present in population databases (gnomAD no frequency). This sequence change affects codon 374 of the CDH1 mRNA. It is a 'silent' change, meaning that it does not change the encoded amino acid sequence of the CDH1 protein.

NM_004360.5(CDH1):c.1122C>A (p.Ile374=)

Gene: CDH1 (cadherin 1; plus strand). Cytogenetic location: 16q22.1.
Variant type: single nucleotide variant.
Coding change: c.1122C>A on transcript NM_004360.5 (MANE Select); coding-DNA position 1122, C replaced by A.
Protein change: p.Ile374=; no amino-acid change (isoleucine 374 retained).
Molecular consequence: synonymous variant. On other transcripts: 5 prime UTR variant (2).
Genome position (GRCh38, 1-based): chr16:68,812,248, C>A. VCF-style: chr16-68812248-C-A. GRCh37 (hg19) VCF-style: chr16-68846151-C-A.
Other names: c.1122C>A, p.Ile374= (NM_001317184.2); c.-494C>A (NM_001317185.2); c.-698C>A (NM_001317186.2).
Identifiers: ClinVar variation 2005695 (VCV002005695.6), dbSNP rs2152132700, ClinGen allele CA496153124.
Genomic context (GRCh38, chr16:68,812,248, plus strand): 5'-GTTAAGCACAACAGCAACAGCTGTGATCACAGTCACTGACACCAACGATAATCCTCCGAT[C>A]TTCAATCCCACCACGGTAATTCTATAACTCCTTAGAGGGTTTCCAAAGAAAGGTCTTTTG-3'
Protein context (NP_004351.1, residues 364-384): TVTDTNDNPP[Ile374=]FNPTTYKGQV